The following is an entry in ClinVar:

ClinVar aggregate classification (germline): Uncertain significance (1 of 4 stars; one submission).

Submission:

Labcorp Genetics (formerly Invitae), Labcorp
Classification: Uncertain significance. Last evaluated: 2025-12-18. Review status: criteria provided, single submitter. Criteria: Invitae Variant Classification Sherloc (09022015). Collection method: clinical testing. Allele origin: germline.
Comment: This sequence change replaces leucine, which is neutral and non-polar, with proline, which is neutral and non-polar, at codon 497 of the CUL7 protein (p.Leu497Pro). This variant is not present in population databases (gnomAD no frequency). This variant has not been reported in the literature in individuals affected with CUL7-related conditions. An algorithm developed to predict the effect of missense changes on protein structure and function (PolyPhen-2) suggests that this variant is likely to be disruptive. In summary, the available evidence is currently insufficient to determine the role of this variant in disease. Therefore, it has been classified as a Variant of Uncertain Significance.

NM_014780.5(CUL7):c.1490T>C (p.Leu497Pro)

Gene: CUL7 (cullin 7; minus strand). Cytogenetic location: 6p21.1.
Variant type: single nucleotide variant.
Coding change: c.1490T>C on transcript NM_014780.5 (MANE Select); coding-DNA position 1490, T replaced by C.
Protein change: p.Leu497Pro; replaces leucine 497 with proline.
Molecular consequence: missense variant.
Genome position (GRCh38, 1-based): chr6:43,050,042, A>G on the plus strand (T>C on the coding strand, the complement: CUL7 is on the minus strand). VCF-style: chr6-43050042-A-G. GRCh37 (hg19) VCF-style: chr6-43017780-A-G.
Other names: c.1586T>C, p.Leu529Pro (NM_001168370.2, NM_001374872.1); c.1490T>C, p.Leu497Pro (NM_001374873.1, NM_001374874.1); short protein forms L497P, L529P.
Identifiers: ClinVar variation 4732460 (VCV004732460.1).